The following is an entry in ClinVar:

NM_004086.3(COCH):c.1482C>T (p.Ile494=)

Genes: COCH (cochlin; plus strand), COCH-AS1 (COCH antisense RNA 1; minus strand). Cytogenetic location: 14q12.
Variant type: single nucleotide variant.
Coding change: c.1482C>T on transcript NM_004086.3 (MANE Select); coding-DNA position 1482, C replaced by T.
Protein change: p.Ile494=; no amino-acid change (isoleucine 494 retained).
Molecular consequence: synonymous variant. On other transcripts: non-coding transcript variant (1).
Genome position (GRCh38, 1-based): chr14:30,889,620, C>T. VCF-style: chr14-30889620-C-T. GRCh37 (hg19) VCF-style: chr14-31358826-C-T.
Other names: c.1482C>T, p.Ile494= (NM_001135058.2); c.1677C>T, p.Ile559= (NM_001347720.2).
Identifiers: ClinVar variation 5008292 (VCV005008292.1).
Genomic context (GRCh38, chr14:30,889,620, plus strand): 5'-TTCCATATATTAGCTAGACCTGATTTTCAATTCACTTTAAAATGTTTTCATTGTAGGAAT[C>T]ACTATCTTCTCTGTTGGTGTGGCTTGGGCACCTCTGGATGACCTGAAAGATATGGCTTCT-3'
Protein context (NP_004077.1, residues 484-504): GPAAAAHDAG[Ile494=]TIFSVGVAWA

ClinVar aggregate classification (germline): Uncertain significance (1 of 4 stars; one submission).

Submission:

GeneDx
Classification: Uncertain significance. Last evaluated: 2026-03-06. Review status: criteria provided, single submitter. Criteria: GeneDx Variant Classification Process June 2021. Collection method: clinical testing. Allele origin: germline.
Comment: Not observed at significant frequency in large population cohorts (gnomAD); In silico analysis suggests that this variant does not alter splicing; Has not been previously published as pathogenic or benign to our knowledge